The following is an entry in ClinVar:

NM_005445.4(SMC3):c.295C>T (p.Arg99Ter)

Gene: SMC3 (structural maintenance of chromosomes 3; plus strand). Cytogenetic location: 10q25.2.
Variant type: single nucleotide variant.
Coding change: c.295C>T on transcript NM_005445.4 (MANE Select); coding-DNA position 295, C replaced by T.
Protein change: p.Arg99Ter; replaces arginine 99 with a stop codon.
Molecular consequence: nonsense.
Genome position (GRCh38, 1-based): chr10:110,577,859, C>T. VCF-style: chr10-110577859-C-T. GRCh37 (hg19) VCF-style: chr10-112337617-C-T.
Other names: short protein forms R99*.
Identifiers: ClinVar variation 2663484 (VCV002663484.1), dbSNP rs2493106532, ClinGen allele CA378372509.

ClinVar aggregate classification (germline): Uncertain significance (1 of 4 stars; one submission).

Allele frequency attached by ClinVar (database versions not stated): gnomAD exomes below 0.00001.
gnomAD v4.1: 1 of 1,611,692 alleles (0.000062%); highest among the groups gnomAD compares: Non-Finnish European, 0.000085%; no homozygotes.

Submission:

GeneDx
Classification: Uncertain significance. Last evaluated: 2023-04-27. Review status: criteria provided, single submitter. Criteria: GeneDx Variant Classification Process June 2021. Collection method: clinical testing. Allele origin: germline. Affected: yes.
Comment: Not observed at significant frequency in large population cohorts (gnomAD); Nonsense variant predicted to result in protein truncation or nonsense mediated decay in a gene or region of a gene for which loss of function is not a well-established mechanism of disease; Has not been previously published as pathogenic or benign to our knowledge